The following is an entry in ClinVar:

NM_001089.3(ABCA3):c.1297C>T (p.Gln433Ter)

Gene: ABCA3 (ATP binding cassette subfamily A member 3; minus strand). Cytogenetic location: 16p13.3.
Variant type: single nucleotide variant.
Coding change: c.1297C>T on transcript NM_001089.3 (MANE Select); coding-DNA position 1297, C replaced by T.
Protein change: p.Gln433Ter; replaces glutamine 433 with a stop codon.
Molecular consequence: nonsense.
Genome position (GRCh38, 1-based): chr16:2,304,139, G>A on the plus strand (C>T on the coding strand, the complement: ABCA3 is on the minus strand). VCF-style: chr16-2304139-G-A. GRCh37 (hg19) VCF-style: chr16-2354140-G-A.
Other names: short protein forms Q433*.
Identifiers: ClinVar variation 2736312 (VCV002736312.5), dbSNP rs766137929, ClinGen allele CA7841280.

ClinVar aggregate classification (germline): Pathogenic. Review status: criteria provided, multiple submitters, no conflicts (2 of 4 stars). 2 submissions from 2 submitters: Pathogenic (2). Last evaluated 2024-11-06.

Conditions:
Interstitial lung disease due to ABCA3 deficiency. Also called: PULMONARY ALVEOLAR PROTEINOSIS, CONGENITAL, 3. Identifiers: Orphanet 440402, MedGen C1970456, MONDO:0012582, OMIM 610921.

Allele frequency attached by ClinVar (database versions not stated): TOPMed 0.00001; ExAC 0.00002; gnomAD exomes 0.00001.

Submissions (2):

Myriad Genetics, Inc.
Classification: Pathogenic for Interstitial lung disease due to ABCA3 deficiency. Last evaluated: 2024-11-06. Review status: criteria provided, single submitter. Criteria: Myriad Autosomal Dominant, Autosomal Recessive and X-Linked Classification Criteria (2023). Collection method: clinical testing. Allele origin: unknown.
Comment: NM_001089.2(ABCA3):c.1297C>T(Q433*) is expected to be pathogenic in the context of surfactant deficiency, ABCA3-related. This variant is predicted to lead to an abnormal or absent protein product due to the creation of a premature termination codon in ABCA3, a gene where loss-of-function variants are known to be pathogenic. Please note: this variant was assessed in the context of healthy population screening.

Labcorp Genetics (formerly Invitae), Labcorp
Classification: Pathogenic. Last evaluated: 2023-04-28. Review status: criteria provided, single submitter. Criteria: Invitae Variant Classification Sherloc (09022015). Collection method: clinical testing. Allele origin: germline.
Comment: For these reasons, this variant has been classified as Pathogenic. This premature translational stop signal has been observed in individual(s) with autosomal recessive ABCA3-related conditions (PMID: 24871971). This variant is present in population databases (rs766137929, gnomAD 0.003%). This sequence change creates a premature translational stop signal (p.Gln433*) in the ABCA3 gene. It is expected to result in an absent or disrupted protein product. Loss-of-function variants in ABCA3 are known to be pathogenic (PMID: 27516224).

Literature cited by the submitters: PubMed 24871971 (cited by Labcorp Genetics (formerly Invitae), Labcorp); PubMed 27516224 (cited by Labcorp Genetics (formerly Invitae), Labcorp).